The following is an entry in ClinVar:

NM_001365088.1(SLC12A6):c.2207G>C (p.Ser736Thr)

Gene: SLC12A6 (solute carrier family 12 member 6; minus strand). Cytogenetic location: 15q14.
Variant type: single nucleotide variant.
Coding change: c.2207G>C on transcript NM_001365088.1 (MANE Select); coding-DNA position 2207, G replaced by C.
Protein change: p.Ser736Thr; replaces serine 736 with threonine.
Molecular consequence: missense variant.
Genome position (GRCh38, 1-based): chr15:34,241,293, C>G on the plus strand (G>C on the coding strand, the complement: SLC12A6 is on the minus strand). VCF-style: chr15-34241293-C-G. GRCh37 (hg19) VCF-style: chr15-34533494-C-G.
Other names: c.2030G>C, p.Ser677Thr (NM_001042494.2, NM_001042495.2); c.2180G>C, p.Ser727Thr (NM_001042496.2); c.2162G>C, p.Ser721Thr (NM_001042497.2); c.2054G>C, p.Ser685Thr (NM_005135.2); c.2207G>C, p.Ser736Thr (NM_133647.2); short protein forms S721T, S727T, S677T, S685T, S736T.
Identifiers: ClinVar variation 2807743 (VCV002807743.3), dbSNP rs1428762589, ClinGen allele CA391620053.

ClinVar aggregate classification (germline): Uncertain significance (1 of 4 stars; one submission).

Allele frequency attached by ClinVar (database versions not stated): gnomAD 0.00001; TOPMed 0.00001.
gnomAD v4.1: 1 of 1,611,396 alleles (0.000062%); highest among the groups gnomAD compares: Non-Finnish European, 0.000085%; no homozygotes.

Submission:

Labcorp Genetics (formerly Invitae), Labcorp
Classification: Uncertain significance. Last evaluated: 2024-10-19. Review status: criteria provided, single submitter. Criteria: Invitae Variant Classification Sherloc (09022015). Collection method: clinical testing. Allele origin: germline.
Comment: This sequence change replaces serine, which is neutral and polar, with threonine, which is neutral and polar, at codon 736 of the SLC12A6 protein (p.Ser736Thr). This variant is not present in population databases (gnomAD no frequency). This variant has not been reported in the literature in individuals affected with SLC12A6-related conditions. Invitae Evidence Modeling of protein sequence and biophysical properties (such as structural, functional, and spatial information, amino acid conservation, physicochemical variation, residue mobility, and thermodynamic stability) indicates that this missense variant is not expected to disrupt SLC12A6 protein function with a negative predictive value of 80%. In summary, the available evidence is currently insufficient to determine the role of this variant in disease. Therefore, it has been classified as a Variant of Uncertain Significance.